The following is an entry in ClinVar:

ClinVar aggregate classification (germline): Uncertain significance (1 of 4 stars; one submission).

Conditions:
Charcot-Marie-Tooth disease dominant intermediate B (CMTDIB). Also called: CHARCOT-MARIE-TOOTH NEUROPATHY, DOMINANT INTERMEDIATE B; Charcot-Marie-Tooth disease dominant intermediate 1; CMT DI1; Charcot-Marie-Tooth disease dominant intermediate I. Identifiers: Orphanet 100044, Orphanet 228179, MedGen C1847902, MONDO:0011674, OMIM 606482.

Submission:

Labcorp Genetics (formerly Invitae), Labcorp
Classification: Uncertain significance for Charcot-Marie-Tooth disease dominant intermediate B. Last evaluated: 2025-10-25. Review status: criteria provided, single submitter. Criteria: Invitae Variant Classification Sherloc (09022015). Collection method: clinical testing. Allele origin: germline.
Comment: This sequence change replaces histidine, which is basic and polar, with glutamine, which is neutral and polar, at codon 692 of the DNM2 protein (p.His692Gln). This variant is not present in population databases (gnomAD no frequency). This variant has not been reported in the literature in individuals affected with DNM2-related conditions. Invitae Evidence Modeling of protein sequence and biophysical properties (such as structural, functional, and spatial information, amino acid conservation, physicochemical variation, residue mobility, and thermodynamic stability) indicates that this missense variant is not expected to disrupt DNM2 protein function with a negative predictive value of 95%. In summary, the available evidence is currently insufficient to determine the role of this variant in disease. Therefore, it has been classified as a Variant of Uncertain Significance.

NM_001005361.3(DNM2):c.2076C>A (p.His692Gln)

Gene: DNM2 (dynamin 2; plus strand). Cytogenetic location: 19p13.2.
Variant type: single nucleotide variant.
Coding change: c.2076C>A on transcript NM_001005361.3 (MANE Select); coding-DNA position 2076, C replaced by A.
Protein change: p.His692Gln; replaces histidine 692 with glutamine.
Molecular consequence: missense variant.
Genome position (GRCh38, 1-based): chr19:10,829,053, C>A. VCF-style: chr19-10829053-C-A. GRCh37 (hg19) VCF-style: chr19-10939729-C-A.
Other names: c.2076C>A, p.His692Gln (NM_001005360.3, NM_001190716.2); c.2064C>A, p.His688Gln (NM_001005362.3, NM_004945.4); short protein forms H688Q, H692Q.
Identifiers: ClinVar variation 4754359 (VCV004754359.1).
Genomic context (GRCh38, chr19:10,829,053, plus strand): 5'-GGGGTGATACACAAGCCTGACCCTCCCCAACCCCTGCCCGCAGACGAAGGCCTTCATCCA[C>A]CACGAGCTGCTGGCCTACCTATACTCCTCGGCAGACCAGAGCAGCCTCATGGAGGAGTCG-3'
Protein context (NP_001005361.1, residues 682-702): LMINNTKAFI[His692Gln]HELLAYLYSS